The following is an entry in ClinVar:

ClinVar aggregate classification (germline): Conflicting classifications of pathogenicity. Review status: criteria provided, conflicting classifications (1 of 4 stars). 3 submissions from 3 submitters: Uncertain significance (1); Likely benign (2). Last evaluated 2025-10-23.

Conditions:
Familial thoracic aortic aneurysm and aortic dissection (TAAD). Also called: Thoracic aortic aneurysms and dissections. Identifiers: Orphanet 91387, MedGen C4707243, MONDO:0019625.
Aortic aneurysm, familial thoracic 4 (AAT4). Also called: AORTIC ANEURYSM/AORTIC DISSECTION AND PATENT DUCTUS ARTERIOSUS. Identifiers: MedGen C1851504, MONDO:0007568, OMIM 132900.

Submissions (3):

Ambry Genetics
Classification: Likely benign for Familial thoracic aortic aneurysm and aortic dissection. Last evaluated: 2025-10-23. Review status: criteria provided, single submitter. Criteria: Ambry Variant Classification Scheme 2023. Collection method: clinical testing. Allele origin: germline.

Labcorp Genetics (formerly Invitae), Labcorp
Classification: Likely benign for Aortic aneurysm, familial thoracic 4. Last evaluated: 2025-06-27. Review status: criteria provided, single submitter. Criteria: Invitae Variant Classification Sherloc (09022015). Collection method: clinical testing. Allele origin: germline.

All of Us Research Program, National Institutes of Health
Classification: Uncertain significance for Familial thoracic aortic aneurysm and aortic dissection. Last evaluated: 2023-09-17. Review status: criteria provided, single submitter. Criteria: ACMG Guidelines, 2015. Collection method: clinical testing. Allele origin: germline. Inheritance: Autosomal dominant inheritance. Observed: 2 variant alleles, 2 heterozygotes.
Comment: This variant is located in the MYH11 protein. To our knowledge, functional studies have not been reported for this variant. This variant has not been reported in individuals affected with MYH11-related disorders in the literature. This variant has been identified in 1/249678 chromosomes in the general population by the Genome Aggregation Database (gnomAD). The available evidence is insufficient to determine the role of this variant in disease conclusively. Therefore, this variant is classified as a Variant of Uncertain Significance.

This study involves interpretation of variants in research participants for the purpose of population health screening. Participant phenotype was not available at the time of variant classification. Additional details can be found in publication PMID: 35346344, PMCID: PMC8962531

NM_002474.3(MYH11):c.3124C>A (p.Arg1042=)

Gene: MYH11 (myosin heavy chain 11; minus strand). Cytogenetic location: 16p13.11.
Variant type: single nucleotide variant.
Coding change: c.3124C>A on transcript NM_002474.3 (MANE Select); coding-DNA position 3124, C replaced by A.
Protein change: p.Arg1042=; no amino-acid change (arginine 1042 retained).
Molecular consequence: synonymous variant.
Genome position (GRCh38, 1-based): chr16:15,737,618, G>T on the plus strand (C>A on the coding strand, the complement: MYH11 is on the minus strand). VCF-style: chr16-15737618-G-T. GRCh37 (hg19) VCF-style: chr16-15831475-G-T.
Other names: c.3124C>A (NM_002474.2); c.3145C>A, p.Arg1049= (NM_001040113.2, NM_001040114.2); c.3124C>A, p.Arg1042= (NM_022844.3).
Identifiers: ClinVar variation 2913438 (VCV002913438.5), dbSNP rs774490005, ClinGen allele CA493781888.